The following is an entry in ClinVar:

NM_001375524.1(TRRAP):c.3696C>T (p.Ala1232=)

Gene: TRRAP (transformation/transcription domain associated protein; plus strand). Cytogenetic location: 7q22.1.
Variant type: single nucleotide variant.
Coding change: c.3696C>T on transcript NM_001375524.1 (MANE Select); coding-DNA position 3696, C replaced by T.
Protein change: p.Ala1232=; no amino-acid change (alanine 1232 retained).
Molecular consequence: synonymous variant.
Genome position (GRCh38, 1-based): chr7:98,931,509, C>T. VCF-style: chr7-98931509-C-T. GRCh37 (hg19) VCF-style: chr7-98529132-C-T.
Other names: c.3696C>T, p.Ala1232= (NM_001244580.2, NM_003496.4).
Identifiers: ClinVar variation 2063709 (VCV002063709.24), dbSNP rs561058590, ClinGen allele CA4360051.

ClinVar aggregate classification (germline): Likely benign. Review status: criteria provided, multiple submitters, no conflicts (2 of 4 stars). 2 submissions from 2 submitters: Likely benign (2). Last evaluated 2025-12-10.

Allele frequency attached by ClinVar (database versions not stated): ExAC 0.00007; TOPMed 0.00008; gnomAD 0.00013.
gnomAD v4.1: 131 of 1,614,084 alleles (0.0081%); highest among the groups gnomAD compares: Middle Eastern, 0.016%; 1 homozygote.

Submissions (2):

Labcorp Genetics (formerly Invitae), Labcorp
Classification: Likely benign. Last evaluated: 2025-12-10. Review status: criteria provided, single submitter. Criteria: Invitae Variant Classification Sherloc (09022015). Collection method: clinical testing. Allele origin: germline.

CeGaT Center for Human Genetics Tuebingen
Classification: Likely benign. Last evaluated: 2024-04-01. Review status: criteria provided, single submitter. Criteria: CeGaT Center For Human Genetics Tuebingen Variant Classification Criteria Version 2. Collection method: clinical testing. Allele origin: germline. Affected: yes. Observed: 1 variant allele.
Comment: TRRAP: BP4, BP7